The following is an entry in ClinVar:

ClinVar aggregate classification (germline): Uncertain significance (1 of 4 stars; one submission).

Submission:

Ambry Genetics
Classification: Uncertain significance. Last evaluated: 2023-11-09. Review status: criteria provided, single submitter. Criteria: Ambry Variant Classification Scheme 2023. Collection method: clinical testing. Allele origin: germline.
Comment: The p.R1159I variant (also known as c.3476G>T), located in coding exon 16 of the POLQ gene, results from a G to T substitution at nucleotide position 3476. The arginine at codon 1159 is replaced by isoleucine, an amino acid with similar properties. This amino acid position is conserved. In addition, this alteration is predicted to be tolerated by in silico analysis. Since supporting evidence is limited at this time, the clinical significance of this alteration remains unclear.

NM_199420.4(POLQ):c.3476G>T (p.Arg1159Ile)

Gene: POLQ (DNA polymerase theta; minus strand). Cytogenetic location: 3q13.33.
Variant type: single nucleotide variant.
Coding change: c.3476G>T on transcript NM_199420.4 (MANE Select); coding-DNA position 3476, G replaced by T.
Protein change: p.Arg1159Ile; replaces arginine 1159 with isoleucine.
Molecular consequence: missense variant.
Genome position (GRCh38, 1-based): chr3:121,489,455, C>A on the plus strand (G>T on the coding strand, the complement: POLQ is on the minus strand). VCF-style: chr3-121489455-C-A. GRCh37 (hg19) VCF-style: chr3-121208302-C-A.
Other names: short protein forms R1159I.
Identifiers: ClinVar variation 3229942 (VCV003229942.1), dbSNP rs2546787345, ClinGen allele CA354099767.